The following is an entry in ClinVar:

NM_198525.3(KIF7):c.1384_1385delinsTT (p.Ser462Phe)

Gene: KIF7 (kinesin family member 7; minus strand). Cytogenetic location: 15q26.1.
Variant type: Indel.
Coding change: c.1384_1385delinsTT on transcript NM_198525.3 (MANE Select); coding-DNA positions 1384 to 1385, AG replaced by TT.
Protein change: p.Ser462Phe; replaces serine 462 with phenylalanine.
Molecular consequence: missense variant.
Genome position (GRCh38, 1-based): chr15:89,648,313-89,648,314, CT replaced by AA on the plus strand (AG replaced by TT on the coding strand, the reverse complement: KIF7 is on the minus strand). VCF-style: chr15-89648313-CT-AA. GRCh37 (hg19) VCF-style: chr15-90191544-CT-AA.
Other names: short protein forms S462F.
Identifiers: ClinVar variation 2158391 (VCV002158391.3), dbSNP rs2505493216, ClinGen allele CA2580090395.

ClinVar aggregate classification (germline): Uncertain significance (1 of 4 stars; one submission).

Conditions:
Acrocallosal syndrome (ACLS). Also called: HALLUX DUPLICATION, POSTAXIAL POLYDACTYLY, AND ABSENCE OF CORPUS CALLOSUM; Schinzel syndrome 1; Absence of corpus callosum with unusual facial appearance, mental deficiency, duplication of the halluces and polydactyly. Identifiers: Orphanet 36, MedGen C0796147, MONDO:0008708, OMIM 200990.

Submission:

Labcorp Genetics (formerly Invitae), Labcorp
Classification: Uncertain significance for Acrocallosal syndrome. Last evaluated: 2024-10-24. Review status: criteria provided, single submitter. Criteria: Invitae Variant Classification Sherloc (09022015). Collection method: clinical testing. Allele origin: germline.
Comment: This sequence change replaces serine, which is neutral and polar, with phenylalanine, which is neutral and non-polar, at codon 462 of the KIF7 protein (p.Ser462Phe). Information on the frequency of this variant in the gnomAD database is not available, as this variant may be reported differently in the database. This variant has not been reported in the literature in individuals affected with KIF7-related conditions. ClinVar contains an entry for this variant (Variation ID: 2158391). An algorithm developed to predict the effect of missense changes on protein structure and function (PolyPhen-2) suggests that this variant is likely to be disruptive. In summary, the available evidence is currently insufficient to determine the role of this variant in disease. Therefore, it has been classified as a Variant of Uncertain Significance.